The following is an entry in ClinVar:

NM_173598.6(KSR2):c.1908C>A (p.Asn636Lys)

Gene: KSR2 (kinase suppressor of ras 2; minus strand). Cytogenetic location: 12q24.22.
Variant type: single nucleotide variant.
Coding change: c.1908C>A on transcript NM_173598.6 (MANE Select); coding-DNA position 1908, C replaced by A.
Protein change: p.Asn636Lys; replaces asparagine 636 with lysine.
Molecular consequence: missense variant.
Genome position (GRCh38, 1-based): chr12:117,525,163, G>T on the plus strand (C>A on the coding strand, the complement: KSR2 is on the minus strand). VCF-style: chr12-117525163-G-T. GRCh37 (hg19) VCF-style: chr12-117962968-G-T.
Other names: short protein forms N636K.
Identifiers: ClinVar variation 4762353 (VCV004762353.1).
Genomic context (GRCh38, chr12:117,525,163, plus strand): 5'-AAGGAAGATGCTGGTCTGGCTGGCCTTGCGTGGGAAGCTCCGGGCCGAGAGGAGGGACAG[G>T]TTCATCTCCTCGAAGTCATCCTCTGACTCTTCGGCCTCATCATGGACCTCTTCATTCTGT-3'
Protein context (NP_775869.4, residues 626-646): EESEDDFEEM[Asn636Lys]LSLLSARSFP

ClinVar aggregate classification (germline): Uncertain significance (1 of 4 stars; one submission).

gnomAD v4.1: 1 of 1,613,860 alleles (0.000062%); highest among the groups gnomAD compares: Non-Finnish European, 0.000085%; no homozygotes.

Submission:

Labcorp Genetics (formerly Invitae), Labcorp
Classification: Uncertain significance. Last evaluated: 2025-11-24. Review status: criteria provided, single submitter. Criteria: Invitae Variant Classification Sherloc (09022015). Collection method: clinical testing. Allele origin: germline.
Comment: This sequence change replaces asparagine, which is neutral and polar, with lysine, which is basic and polar, at codon 607 of the KSR2 protein (p.Asn607Lys). This variant is not present in population databases (gnomAD no frequency). This variant has not been reported in the literature in individuals affected with KSR2-related conditions. An algorithm developed to predict the effect of missense changes on protein structure and function (PolyPhen-2) suggests that this variant is likely to be tolerated. In summary, the available evidence is currently insufficient to determine the role of this variant in disease. Therefore, it has been classified as a Variant of Uncertain Significance.